The following is an entry in ClinVar:

ClinVar aggregate classification (germline): Uncertain significance. Review status: criteria provided, single submitter (1 of 4 stars). 2 submissions from 2 submitters: Uncertain significance (1). 1 of the submissions does not count toward it. Last evaluated 2025-06-02.

Conditions:
Exostoses, multiple, type 2 (EXT2). Also called: EXOSTOSES, MULTIPLE, TYPE II; Hereditary Multiple Osteochondromatosis, Type II. Identifiers: Orphanet 321, MedGen C1851413, MONDO:0007586, OMIM 133701.

Allele frequency attached by ClinVar (database versions not stated): gnomAD 0.00005 and 0.00006; TOPMed 0.00005; ESP Exome Variant Server 0.00015.
gnomAD v4.1: 185 of 1,613,898 alleles (0.011%); highest among the groups gnomAD compares: Non-Finnish European, 0.015%; no homozygotes.

Submissions (2):

Labcorp Genetics (formerly Invitae), Labcorp
Classification: Uncertain significance for Exostoses, multiple, type 2. Last evaluated: 2025-06-02. Review status: criteria provided, single submitter. Criteria: Invitae Variant Classification Sherloc (09022015). Collection method: clinical testing. Allele origin: germline.
Comment: This sequence change replaces glycine, which is neutral and non-polar, with arginine, which is basic and polar, at codon 685 of the EXT2 protein (p.Gly685Arg). This variant is present in population databases (rs367897723, gnomAD 0.008%). This variant has not been reported in the literature in individuals affected with EXT2-related conditions. ClinVar contains an entry for this variant (Variation ID: 134206). Invitae Evidence Modeling of protein sequence and biophysical properties (such as structural, functional, and spatial information, amino acid conservation, physicochemical variation, residue mobility, and thermodynamic stability) indicates that this missense variant is not expected to disrupt EXT2 protein function with a negative predictive value of 95%. In summary, the available evidence is currently insufficient to determine the role of this variant in disease. Therefore, it has been classified as a Variant of Uncertain Significance.

ITMI
No classification provided. Condition: AllHighlyPenetrant. Last evaluated: 2013-09-19. Review status: no classification provided. Collection method: reference population. Allele origin: germline. Not counted in ClinVar's aggregate classification.
Comment: Please see associated publication for description of ethnicities

Literature cited by the submitters: PubMed 24728327 (cited by ITMI).

NM_207122.2(EXT2):c.2053G>A (p.Gly685Arg)

Gene: EXT2 (exostosin glycosyltransferase 2; plus strand). Cytogenetic location: 11p11.2.
Variant type: single nucleotide variant.
Coding change: c.2053G>A on transcript NM_207122.2 (MANE Select); coding-DNA position 2053, G replaced by A.
Protein change: p.Gly685Arg; replaces glycine 685 with arginine.
Molecular consequence: missense variant.
Genome position (GRCh38, 1-based): chr11:44,244,183, G>A. VCF-style: chr11-44244183-G-A. GRCh37 (hg19) VCF-style: chr11-44265733-G-A.
Other names: c.2152G>A, p.Gly718Arg (NM_000401.3); c.2083G>A, p.Gly695Arg (NM_001178083.3); c.2053G>A, p.Gly685Arg (NM_001389628.1, NM_001389630.1); short protein forms G685R, G718R, G695R.
Identifiers: ClinVar variation 134206 (VCV000134206.4), dbSNP rs367897723, ClinGen allele CA159121.